The following is an entry in ClinVar:

ClinVar aggregate classification (germline): Uncertain significance (1 of 4 stars; one submission).

gnomAD v4.1: 11 of 1,613,580 alleles (0.00068%); highest among the groups gnomAD compares: East Asian, 0.0022%; no homozygotes.

Submission:

Labcorp Genetics (formerly Invitae), Labcorp
Classification: Uncertain significance. Last evaluated: 2025-10-21. Review status: criteria provided, single submitter. Criteria: Invitae Variant Classification Sherloc (09022015). Collection method: clinical testing. Allele origin: germline.
Comment: This sequence change replaces glutamic acid, which is acidic and polar, with lysine, which is basic and polar, at codon 74 of the APCDD1 protein (p.Glu74Lys). This variant is not present in population databases (gnomAD no frequency). This variant has not been reported in the literature in individuals affected with APCDD1-related conditions. Invitae Evidence Modeling of protein sequence and biophysical properties (such as structural, functional, and spatial information, amino acid conservation, physicochemical variation, residue mobility, and thermodynamic stability) indicates that this missense variant is not expected to disrupt APCDD1 protein function with a negative predictive value of 80%. In summary, the available evidence is currently insufficient to determine the role of this variant in disease. Therefore, it has been classified as a Variant of Uncertain Significance.

NM_153000.5(APCDD1):c.220G>A (p.Glu74Lys)

Gene: APCDD1 (APC down-regulated 1; plus strand). Cytogenetic location: 18p11.22.
Variant type: single nucleotide variant.
Coding change: c.220G>A on transcript NM_153000.5 (MANE Select); coding-DNA position 220, G replaced by A.
Protein change: p.Glu74Lys; replaces glutamic acid 74 with lysine.
Molecular consequence: missense variant.
Genome position (GRCh38, 1-based): chr18:10,468,630, G>A. VCF-style: chr18-10468630-G-A. GRCh37 (hg19) VCF-style: chr18-10468627-G-A.
Other names: short protein forms E74K.
Identifiers: ClinVar variation 4696895 (VCV004696895.1).
Genomic context (GRCh38, chr18:10,468,630, plus strand): 5'-CACATGCTCAAACATCTCCACAATGGTGCAAGGATCACAGTGCAGATGCCACCTACAATC[G>A]AGGGCCACTGGGTCTCCACAGGGTAAGAGGACAGGTGGGGTCTGGGAGAGGCCAGAGAGC-3'
Protein context (NP_694545.1, residues 64-84): RITVQMPPTI[Glu74Lys]GHWVSTGCEV